The following is an entry in ClinVar:

NM_020911.2(PLXNA4):c.811A>C (p.Thr271Pro)

Gene: PLXNA4 (plexin A4; minus strand). Cytogenetic location: 7q32.3.
Variant type: single nucleotide variant.
Coding change: c.811A>C on transcript NM_020911.2 (MANE Select); coding-DNA position 811, A replaced by C.
Protein change: p.Thr271Pro; replaces threonine 271 with proline.
Molecular consequence: missense variant.
Genome position (GRCh38, 1-based): chr7:132,507,883, T>G on the plus strand (A>C on the coding strand, the complement: PLXNA4 is on the minus strand). VCF-style: chr7-132507883-T-G. GRCh37 (hg19) VCF-style: chr7-132192642-T-G.
Other names: c.811A>C, p.Thr271Pro (NM_001105543.2, NM_001393897.1, NM_181775.4); short protein forms T271P.
Identifiers: ClinVar variation 3029700 (VCV003029700.2), dbSNP rs776594259, ClinGen allele CA4490440.

ClinVar aggregate classification (germline): Uncertain significance (0 of 4 stars; one submission).

Conditions:
PLXNA4-related disorder. Also called: PLXNA4-related condition.

Allele frequency attached by ClinVar (database versions not stated): gnomAD 0.00001; TOPMed 0.00001; ExAC 0.00002; gnomAD exomes 0.00002.
gnomAD v4.1: 27 of 1,614,018 alleles (0.0017%); highest among the groups gnomAD compares: South Asian, 0.022%; no homozygotes.

Submission:

PreventionGenetics, part of Exact Sciences
Classification: Uncertain significance for PLXNA4-related condition. Last evaluated: 2024-06-10. Review status: no assertion criteria provided. Collection method: clinical testing. Allele origin: germline.
Comment: The PLXNA4 c.811A>C variant is predicted to result in the amino acid substitution p.Thr271Pro. To our knowledge, this variant has not been reported in the literature. This variant is reported in 0.016% of alleles in individuals of South Asian descent in gnomAD. At this time, the clinical significance of this variant is uncertain due to the absence of conclusive functional and genetic evidence.